The following is an entry in ClinVar:

NM_001355436.2(SPTB):c.2291G>A (p.Arg764Gln)

Gene: SPTB (spectrin beta, erythrocytic; minus strand). Cytogenetic location: 14q23.3.
Variant type: single nucleotide variant.
Coding change: c.2291G>A on transcript NM_001355436.2 (MANE Select); coding-DNA position 2291, G replaced by A.
Protein change: p.Arg764Gln; replaces arginine 764 with glutamine.
Molecular consequence: missense variant.
Genome position (GRCh38, 1-based): chr14:64,793,372, C>T on the plus strand (G>A on the coding strand, the complement: SPTB is on the minus strand). VCF-style: chr14-64793372-C-T. GRCh37 (hg19) VCF-style: chr14-65260090-C-T.
Other names: c.2291G>A, p.Arg764Gln (NM_001024858.4, NM_001355437.2); short protein forms R764Q.
Identifiers: ClinVar variation 2436409 (VCV002436409.4), dbSNP rs754670202, ClinGen allele CA7230905.

ClinVar aggregate classification (germline): Uncertain significance. Review status: criteria provided, multiple submitters, no conflicts (2 of 4 stars). 2 submissions from 2 submitters: Uncertain significance (2). Last evaluated 2025-07-03.

Allele frequency attached by ClinVar (database versions not stated): TOPMed 0.00001; gnomAD 0.00002; gnomAD exomes 0.00002.
gnomAD v4.1: 30 of 1,612,500 alleles (0.0019%); highest among the groups gnomAD compares: South Asian, 0.018%; no homozygotes.

Submissions (2):

Labcorp Genetics (formerly Invitae), Labcorp
Classification: Uncertain significance. Last evaluated: 2025-07-03. Review status: criteria provided, single submitter. Criteria: Invitae Variant Classification Sherloc (09022015). Collection method: clinical testing. Allele origin: germline.
Comment: This sequence change replaces arginine, which is basic and polar, with glutamine, which is neutral and polar, at codon 764 of the SPTB protein (p.Arg764Gln). This variant is present in population databases (rs754670202, gnomAD 0.02%). This variant has not been reported in the literature in individuals affected with SPTB-related conditions. ClinVar contains an entry for this variant (Variation ID: 2436409). An algorithm developed to predict the effect of missense changes on protein structure and function (PolyPhen-2) suggests that this variant is likely to be tolerated. In summary, the available evidence is currently insufficient to determine the role of this variant in disease. Therefore, it has been classified as a Variant of Uncertain Significance.

Revvity Omics, Revvity
Classification: Uncertain significance. Last evaluated: 2022-12-14. Review status: criteria provided, single submitter. Criteria: ACMG Guidelines, 2015. Collection method: clinical testing. Allele origin: germline.